The following is an entry in ClinVar:

ClinVar aggregate classification (germline): Uncertain significance (1 of 4 stars; one submission).

Conditions:
Fanconi anemia (FA). Also called: Fanconi's anemia. Identifiers: Orphanet 84, MedGen C0015625, MeSH D005199, MONDO:0019391.

Allele frequency attached by ClinVar (database versions not stated): gnomAD exomes below 0.00001.
gnomAD v4.1: 31 of 1,613,164 alleles (0.0019%); highest among the groups gnomAD compares: Non-Finnish European, 0.0025%; no homozygotes.

Submission:

Labcorp Genetics (formerly Invitae), Labcorp
Classification: Uncertain significance for Fanconi anemia. Last evaluated: 2021-03-21. Review status: criteria provided, single submitter. Criteria: Invitae Variant Classification Sherloc (09022015). Collection method: clinical testing. Allele origin: germline.
Comment: In summary, the available evidence is currently insufficient to determine the role of this variant in disease. Therefore, it has been classified as a Variant of Uncertain Significance. Algorithms developed to predict the effect of missense changes on protein structure and function (SIFT, PolyPhen-2, Align-GVGD) all suggest that this variant is likely to be tolerated, but these predictions have not been confirmed by published functional studies and their clinical significance is uncertain. This variant has not been reported in the literature in individuals with SLX4-related conditions. This variant is not present in population databases (ExAC no frequency). This sequence change replaces valine with isoleucine at codon 1018 of the SLX4 protein (p.Val1018Ile). The valine residue is weakly conserved and there is a small physicochemical difference between valine and isoleucine.

NM_032444.4(SLX4):c.3052G>A (p.Val1018Ile)

Gene: SLX4 (SLX4 structure-specific endonuclease subunit; minus strand). Cytogenetic location: 16p13.3.
Variant type: single nucleotide variant.
Coding change: c.3052G>A on transcript NM_032444.4 (MANE Select); coding-DNA position 3052, G replaced by A.
Protein change: p.Val1018Ile; replaces valine 1018 with isoleucine.
Molecular consequence: missense variant.
Genome position (GRCh38, 1-based): chr16:3,590,586, C>T on the plus strand (G>A on the coding strand, the complement: SLX4 is on the minus strand). VCF-style: chr16-3590586-C-T. GRCh37 (hg19) VCF-style: chr16-3640587-C-T.
Other names: short protein forms V1018I.
Identifiers: ClinVar variation 1381692 (VCV001381692.8), dbSNP rs948861318, ClinGen allele CA276959170.
Genomic context (GRCh38, chr16:3,590,586, plus strand): 5'-CCAATAGGAAGCGGCACGGGTGCGGTGGAGATGCCTGCCAGGGAGCCAGGCGATGAGAAA[C>T]CTCCAGCCCCCTTTCCCTGACAGCGCCACTTTGTTCCTCGGGCTCACTTGTTATTTGGGA-3'
Protein context (NP_115820.2, residues 1008-1028): SGAVRERGLE[Val1018Ile]SHRLAPWQAS